The following is an entry in ClinVar:

ClinVar aggregate classification (germline): Likely benign (0 of 4 stars; one submission).

Conditions:
TOPBP1-related disorder. Also called: TOPBP1-related condition.

Allele frequency attached by ClinVar (database versions not stated): gnomAD exomes below 0.00001; gnomAD 0.00001; TOPMed 0.00002; ExAC 0.00003.
gnomAD v4.1: 6 of 1,613,452 alleles (0.00037%); highest among the groups gnomAD compares: East Asian, 0.0089%; no homozygotes.

Submission:

PreventionGenetics, part of Exact Sciences
Classification: Likely benign for TOPBP1-related condition. Last evaluated: 2019-08-01. Review status: no assertion criteria provided. Collection method: clinical testing. Allele origin: germline.
Comment: This variant is classified as likely benign based on ACMG/AMP sequence variant interpretation guidelines (Richards et al. 2015 PMID: 25741868, with internal and published modifications).

NM_007027.4(TOPBP1):c.3075+10A>G

Gene: TOPBP1 (DNA topoisomerase II binding protein 1; minus strand). Cytogenetic location: 3q22.1.
Variant type: single nucleotide variant.
Coding change: c.3075+10A>G on transcript NM_007027.4 (MANE Select); 10 bases into the intron after coding-DNA position 3075, A replaced by G.
Molecular consequence: intron variant.
Genome position (GRCh38, 1-based): chr3:133,623,301, T>C on the plus strand (A>G on the coding strand, the complement: TOPBP1 is on the minus strand). VCF-style: chr3-133623301-T-C. GRCh37 (hg19) VCF-style: chr3-133342145-T-C.
Other names: c.3060+10A>G (NM_001363889.2).
Identifiers: ClinVar variation 3034871 (VCV003034871.2), dbSNP rs755762254, ClinGen allele CA2624087.